The following is an entry in ClinVar:

NM_001267550.2(TTN):c.55652del (p.Phe18551fs)

Genes: TTN (titin; minus strand), TTN-AS1 (TTN antisense RNA 1; plus strand). Cytogenetic location: 2q31.2.
Variant type: Deletion.
Coding change: c.55652del on transcript NM_001267550.2 (MANE Select); coding-DNA position 55652, one base deleted (T; older notation c.55652delT).
Protein change: p.Phe18551fs; shifts the reading frame from phenylalanine 18551.
Molecular consequence: frameshift variant.
Genome position (GRCh38, 1-based): chr2:178,601,345, A deleted on the plus strand (T on the coding strand, the reverse complement: TTN is on the minus strand); the first of 2 consecutive A bases (chr2:178,601,345-178,601,346); deleting either gives the same sequence. VCF-style (leftmost placement, unchanged base first): chr2-178601344-GA-G. GRCh37 (hg19) VCF-style: chr2-179466071-GA-G.
Other names: c.50729del, p.Phe16910fs (NM_001256850.1); c.28457del, p.Phe9486fs (NM_003319.4); c.47948del, p.Phe15983fs (NM_133378.4); c.28832del, p.Phe9611fs (NM_133432.3); c.29033del, p.Phe9678fs (NM_133437.4); short protein forms F15983fs, F16910fs, F18551fs, F9486fs, F9611fs, F9678fs.
Identifiers: ClinVar variation 3759594 (VCV003759594.2).

ClinVar aggregate classification (germline): Likely pathogenic (1 of 4 stars; one submission).

Conditions:
Dilated cardiomyopathy 1G (CMD1G). Identifiers: Orphanet 154, MedGen C1858763, MONDO:0011400, OMIM 604145.
Autosomal recessive limb-girdle muscular dystrophy type 2J (LGMDR10). Also called: Limb-girdle muscular dystrophy, type 2J; MUSCULAR DYSTROPHY, LIMB-GIRDLE, AUTOSOMAL RECESSIVE 10. Identifiers: Orphanet 140922, MedGen C1837342, MONDO:0012127, OMIM 608807.

Submission:

Labcorp Genetics (formerly Invitae), Labcorp
Classification: Likely pathogenic for Dilated cardiomyopathy 1G; Autosomal recessive limb-girdle muscular dystrophy type 2J. Last evaluated: 2025-03-10. Review status: criteria provided, single submitter. Criteria: Invitae Variant Classification Sherloc (09022015). Collection method: clinical testing. Allele origin: germline.
Comment: This sequence change creates a premature translational stop signal (p.Phe18551Serfs*99) in the TTN gene. While this is not anticipated to result in nonsense mediated decay, it is expected to create a truncated TTN protein. This variant is not present in population databases (gnomAD no frequency). This variant has not been reported in the literature in individuals affected with TTN-related conditions. This variant is located in the A band of TTN (PMID: 25589632). Truncating variants in this region are significantly overrepresented in patients affected with dilated cardiomyopathy (PMID: 25589632). Truncating variants in this region have also been reported in individuals affected with autosomal recessive centronuclear myopathy (PMID: 23975875). In summary, the currently available evidence indicates that the variant is pathogenic, but additional data are needed to prove that conclusively. Therefore, this variant has been classified as Likely Pathogenic.

Literature cited by the submitters: PubMed 25589632; PubMed 23975875.